The following is an entry in ClinVar:

NM_001375567.1(FOCAD):c.2719G>A (p.Gly907Arg)

Gene: FOCAD (focadhesin; plus strand). Cytogenetic location: 9p21.3.
Variant type: single nucleotide variant.
Coding change: c.2719G>A on transcript NM_001375567.1 (MANE Select); coding-DNA position 2719, G replaced by A.
Protein change: p.Gly907Arg; replaces glycine 907 with arginine.
Molecular consequence: missense variant.
Genome position (GRCh38, 1-based): chr9:20,912,866, G>A. VCF-style: chr9-20912866-G-A. GRCh37 (hg19) VCF-style: chr9-20912865-G-A.
Other names: c.2614G>A, p.Gly872Arg (NM_001375568.1, NM_001375570.1); c.2719G>A, p.Gly907Arg (NM_017794.5); short protein forms G872R, G907R.
Identifiers: ClinVar variation 3059103 (VCV003059103.2), dbSNP rs373630137, ClinGen allele CA5007241.

ClinVar aggregate classification (germline): Uncertain significance (0 of 4 stars; one submission).

Conditions:
FOCAD-related disorder. Also called: FOCAD-related condition.

Allele frequency attached by ClinVar (database versions not stated): TOPMed 0.00001; ExAC 0.00002; gnomAD 0.00002; gnomAD exomes 0.00004; ESP Exome Variant Server 0.00008.
gnomAD v4.1: 66 of 1,612,474 alleles (0.0041%); highest among the groups gnomAD compares: Non-Finnish European, 0.0052%; no homozygotes.

Submission:

PreventionGenetics, part of Exact Sciences
Classification: Uncertain significance for FOCAD-related condition. Last evaluated: 2023-12-19. Review status: no assertion criteria provided. Collection method: clinical testing. Allele origin: germline.
Comment: The FOCAD c.2719G>A variant is predicted to result in the amino acid substitution p.Gly907Arg. To our knowledge, this variant has not been reported in the literature. This variant is reported in 0.0050% of alleles in individuals of East Asian descent in gnomAD. At this time, the clinical significance of this variant is uncertain due to the absence of conclusive functional and genetic evidence.